The following is an entry in ClinVar:

NM_000535.7(PMS2):c.139_146del (p.Leu47fs)

Gene: PMS2 (PMS1 homolog 2, mismatch repair system component; minus strand). Cytogenetic location: 7p22.1.
Variant type: Deletion.
Coding change: c.139_146del on transcript NM_000535.7 (MANE Select); coding-DNA positions 139 to 146, 8 bases deleted (CTGGATGC; older notation c.139_146delCTGGATGC).
Protein change: p.Leu47fs; shifts the reading frame from leucine 47.
Molecular consequence: frameshift variant. On other transcripts: 5 prime UTR variant (8), non-coding transcript variant (1), intron variant (3).
Genome position (GRCh38, 1-based): chr7:6,005,909-6,005,916, GCATCCAG deleted on the plus strand (CTGGATGC on the coding strand, the reverse complement: PMS2 is on the minus strand). VCF-style (leftmost placement, unchanged base first): chr7-6005908-AGCATCCAG-A. GRCh37 (hg19) VCF-style: chr7-6045539-AGCATCCAG-A.
Other names: c.-267_-260del (NM_001322003.2, NM_001322005.2, NM_001322009.2 and 1 more transcripts); c.139_146del, p.Leu47fs (NM_001322006.2, NM_001322014.2); c.-77_-70del (NM_001322007.2); c.-746_-739del (NM_001322011.2, NM_001322012.2); c.-346_-339del (NM_001322015.2); c.-52-1858_-52-1851del (NM_001322008.2); c.-242-1858_-242-1851del (NM_001322010.2, NM_001322004.2); short protein forms L47fs.
Identifiers: ClinVar variation 265547 (VCV000265547.9), dbSNP rs886039615, ClinGen allele CA10588433.

ClinVar aggregate classification (germline): Pathogenic/Likely pathogenic. Review status: criteria provided, multiple submitters, no conflicts (2 of 4 stars). 4 submissions from 4 submitters: Pathogenic (3); Likely pathogenic (1). Last evaluated 2025-12-01.

Conditions:
Lynch syndrome 4 (LYNCH4). Also called: Colorectal cancer, hereditary nonpolyposis, type 4; Hereditary non-polyposis colorectal cancer, type 4. Identifiers: Orphanet 144, MedGen C1838333, MONDO:0013699, OMIM 614337. Disease mechanism: loss of function.
Hereditary cancer-predisposing syndrome. Also called: Neoplastic Syndromes, Hereditary; Hereditary neoplastic syndrome; Hereditary Cancer Syndrome; Tumor predisposition. Identifiers: Orphanet 140162, MedGen C0027672, MeSH D009386, MONDO:0015356.
Hereditary nonpolyposis colorectal neoplasms. Identifiers: MedGen C0009405, MeSH D003123.

Submissions (4):

Labcorp Genetics (formerly Invitae), Labcorp
Classification: Pathogenic for Hereditary nonpolyposis colorectal neoplasms. Last evaluated: 2025-12-01. Review status: criteria provided, single submitter. Criteria: Invitae Variant Classification Sherloc (09022015). Collection method: clinical testing. Allele origin: germline.
Comment: This sequence change creates a premature translational stop signal (p.Leu47Trpfs*4) in the PMS2 gene. It is expected to result in an absent or disrupted protein product. Loss-of-function variants in PMS2 are known to be pathogenic (PMID: 21376568, 24362816). This variant is not present in population databases (gnomAD no frequency). This variant has not been reported in the literature in individuals affected with PMS2-related conditions. ClinVar contains an entry for this variant (Variation ID: 265547). Algorithms developed to predict the effect of sequence changes on RNA splicing suggest that this variant may disrupt the consensus splice site. For these reasons, this variant has been classified as Pathogenic.

Myriad Genetics, Inc.
Classification: Pathogenic for Lynch syndrome 4. Last evaluated: 2023-09-18. Review status: criteria provided, single submitter. Criteria: Myriad Autosomal Dominant, Autosomal Recessive and X-Linked Classification Criteria (2023). Collection method: clinical testing. Allele origin: unknown.
Comment: This variant is considered pathogenic. This variant creates a frameshift predicted to result in premature protein truncation.

Ambry Genetics
Classification: Pathogenic for Hereditary cancer-predisposing syndrome. Last evaluated: 2017-02-14. Review status: criteria provided, single submitter. Criteria: Ambry Variant Classification Scheme 2023. Collection method: clinical testing. Allele origin: germline.
Comment: The c.139_146delCTGGATGC pathogenic mutation, located in coding exon 2 of the PMS2 gene, results from a deletion of 8 nucleotides at nucleotide positions 139 to 146, causing a translational frameshift with a predicted alternate stop codon (p.L47Wfs*4). This alteration is expected to result in loss of function by premature protein truncation or nonsense-mediated mRNA decay. As such, this alteration is interpreted as a disease-causing mutation.

GeneDx
Classification: Likely pathogenic. Last evaluated: 2015-12-30. Review status: criteria provided, single submitter. Criteria: GeneDx Variant Classification (06012015). Collection method: clinical testing. Allele origin: germline. Affected: yes.
Comment: This deletion of 8 nucleotides in PMS2 is denoted c.139_146delCTGGATGC at the cDNA level and p.Leu47TrpfsX4 (L47WfsX4) at the protein level. The normal sequence, with the bases that are deleted in braces, is CAGT[CTGGATGC]TGGT. The deletion causes a frameshift, which changes a Leucine to a Tryptophan at codon 47, and creates a premature stop codon at position 4 of the new reading frame. Although this variant has not, to our knowledge, been reported in the literature, it is predicted to cause loss of normal protein function through either protein truncation or nonsense-mediated mRNA decay. Based on the currently available information, we consider this deletion to be a likely pathogenic variant.

Literature cited by the submitters: PubMed 21376568 (cited by Labcorp Genetics (formerly Invitae), Labcorp); PubMed 24362816 (cited by Labcorp Genetics (formerly Invitae), Labcorp).